The following is an entry in ClinVar:

NM_001127208.3(TET2):c.4306G>C (p.Glu1436Gln)

Genes: TET2 (tet methylcytosine dioxygenase 2; plus strand), TET2-AS1 (TET2 antisense RNA 1; minus strand). Cytogenetic location: 4q24.
Variant type: single nucleotide variant.
Coding change: c.4306G>C on transcript NM_001127208.3 (MANE Select); coding-DNA position 4306, G replaced by C.
Protein change: p.Glu1436Gln; replaces glutamic acid 1436 with glutamine.
Molecular consequence: missense variant.
Genome position (GRCh38, 1-based): chr4:105,272,687, G>C. VCF-style: chr4-105272687-G-C. GRCh37 (hg19) VCF-style: chr4-106193844-G-C.
Other names: short protein forms E1436Q.
Identifiers: ClinVar variation 2780893 (VCV002780893.3), dbSNP rs1731023984, ClinGen allele CA357811449.

ClinVar aggregate classification (germline): Uncertain significance (1 of 4 stars; one submission).

Allele frequency attached by ClinVar (database versions not stated): gnomAD exomes below 0.00001; gnomAD 0.00001.
gnomAD v4.1: 3 of 1,551,576 alleles (0.00019%); highest among the groups gnomAD compares: Non-Finnish European, 0.00026%; no homozygotes.

Submission:

Labcorp Genetics (formerly Invitae), Labcorp
Classification: Uncertain significance. Last evaluated: 2024-12-16. Review status: criteria provided, single submitter. Criteria: Invitae Variant Classification Sherloc (09022015). Collection method: clinical testing. Allele origin: germline.
Comment: This sequence change replaces glutamic acid, which is acidic and polar, with glutamine, which is neutral and polar, at codon 1436 of the TET2 protein (p.Glu1436Gln). This variant is not present in population databases (gnomAD no frequency). This variant has not been reported in the literature in individuals affected with TET2-related conditions. ClinVar contains an entry for this variant (Variation ID: 2780893). An algorithm developed to predict the effect of missense changes on protein structure and function (PolyPhen-2) suggests that this variant is likely to be disruptive. In summary, the available evidence is currently insufficient to determine the role of this variant in disease. Therefore, it has been classified as a Variant of Uncertain Significance.